The following is an entry in ClinVar:

NM_001127511.3(APC):c.-79G>A

Gene: APC (APC regulator of Wnt signaling pathway; plus strand). Cytogenetic location: 5q22.2.
Variant type: single nucleotide variant.
Coding change: c.-79G>A on transcript NM_001127511.3; 79 bases upstream of the start codon, G replaced by A.
Molecular consequence: 5 prime UTR variant. On other transcripts: non-coding transcript variant (2).
Genome position (GRCh38, 1-based): chr5:112,707,639, G>A. VCF-style: chr5-112707639-G-A. GRCh37 (hg19) VCF-style: chr5-112043336-G-A.
Other names: c.-262G>A (NM_001354895.2, NM_001407447.1, NM_001407452.1 and 3 more transcripts); c.-79G>A (NM_001354897.2, NM_001354902.2, NM_001407446.1); c.-29G>A (NM_001407448.1, NM_001407450.1, NM_001407457.1 and 1 more transcripts); c.-53G>A (NM_001407453.1); c.-1297G>A (NM_001407470.1, NM_001407472.1).
Identifiers: ClinVar variation 469814 (VCV000469814.12), dbSNP rs1369181601, ClinGen allele CA561890262.
Genomic context (GRCh38, chr5:112,707,639, plus strand): 5'-GCTGCTCGGGGGGGACCTGCGGGCTCAGGCCCGGGAGCTGCGGACCGAGGTTGGCTCGAT[G>A]CTGTTCCCAGGTACTGTTGTTGGCTGTTGGTGAGGAAGGTGAAGCACTCAGTTGCCTTCT-3'

ClinVar aggregate classification (germline): Conflicting classifications of pathogenicity. Review status: criteria provided, conflicting classifications (1 of 4 stars). 2 submissions from 2 submitters: Uncertain significance (1); Likely benign (1). Last evaluated 2026-01-28.

Conditions:
Familial adenomatous polyposis 1 (FAP1). Also called: FAMILIAL ADENOMATOUS POLYPOSIS 1, ATTENUATED; POLYPOSIS, ADENOMATOUS INTESTINAL. Identifiers: MedGen C2713442, MONDO:0021056, OMIM 175100. Disease mechanism: loss of function.

Allele frequency attached by ClinVar (database versions not stated): TOPMed 0.00002; gnomAD 0.00003 and 0.00002.

Submissions (2):

Labcorp Genetics (formerly Invitae), Labcorp
Classification: Uncertain significance for Familial adenomatous polyposis 1. Last evaluated: 2026-01-28. Review status: criteria provided, single submitter. Criteria: Invitae Variant Classification Sherloc (09022015). Collection method: clinical testing. Allele origin: germline.
Comment: This variant occurs in a non-coding region of the APC gene. It does not change the encoded amino acid sequence of the APC protein. This variant is present in population databases (no rsID available, gnomAD 0.06%). This variant has not been reported in the literature in individuals affected with APC-related conditions. ClinVar contains an entry for this variant (Variation ID: 469814). Experimental studies and prediction algorithms are not available or were not evaluated, and the functional significance of this variant is currently unknown. In summary, the available evidence is currently insufficient to determine the role of this variant in disease. Therefore, it has been classified as a Variant of Uncertain Significance.

Center for Genomic Medicine, Rigshospitalet, Copenhagen University Hospital
Classification: Likely benign. Last evaluated: 2025-03-04. Review status: criteria provided, single submitter. Criteria: ACMG Guidelines, 2015. Collection method: clinical testing. Allele origin: germline.